The following is an entry in ClinVar:

NM_016507.4(CDK12):c.782C>T (p.Ser261Phe)

Genes: CDK12 (cyclin dependent kinase 12; plus strand), LOC126862553 (CDK7 strongly-dependent group 2 enhancer GRCh37_chr17:37618166-37619365; plus strand). Cytogenetic location: 17q12.
Variant type: single nucleotide variant.
Coding change: c.782C>T on transcript NM_016507.4 (MANE Select); coding-DNA position 782, C replaced by T.
Protein change: p.Ser261Phe; replaces serine 261 with phenylalanine.
Molecular consequence: missense variant.
Genome position (GRCh38, 1-based): chr17:39,462,853, C>T. VCF-style: chr17-39462853-C-T. GRCh37 (hg19) VCF-style: chr17-37619106-C-T.
Other names: c.782C>T, p.Ser261Phe (NM_015083.4); short protein forms S261F.
Identifiers: ClinVar variation 3830743 (VCV003830743.1).
Genomic context (GRCh38, chr17:39,462,853, plus strand): 5'-CTTATGGCCAAGATTATGACCTTAGTCCCTCACGATCTCATACCTCGAGCAATTATGACT[C>T]CTACAAGAAAAGTCCTGGAAGTACCTCGAGAAGGCAGTCGGTCAGTCCCCCTTACAAGGA-3'
Protein context (NP_057591.2, residues 251-271): SRSHTSSNYD[Ser261Phe]YKKSPGSTSR

ClinVar aggregate classification (germline): Uncertain significance (1 of 4 stars; one submission).

Submission:

Ambry Genetics
Classification: Uncertain significance. Last evaluated: 2025-03-04. Review status: criteria provided, single submitter. Criteria: Ambry Variant Classification Scheme 2023. Collection method: clinical testing. Allele origin: germline.
Comment: The p.S261F variant (also known as c.782C>T), located in coding exon 1 of the CDK12 gene, results from a C to T substitution at nucleotide position 782. The serine at codon 261 is replaced by phenylalanine, an amino acid with highly dissimilar properties. This amino acid position is conserved. In addition, this alteration is predicted to be tolerated by in silico analysis. Based on the available evidence, the clinical significance of this variant remains unclear.